The following is an entry in ClinVar:

ClinVar aggregate classification (germline): Uncertain significance (1 of 4 stars; one submission).

Submission:

GeneDx
Classification: Uncertain significance. Last evaluated: 2022-06-16. Review status: criteria provided, single submitter. Criteria: GeneDx Variant Classification Process June 2021. Collection method: clinical testing. Allele origin: germline. Affected: yes.
Comment: Not observed at significant frequency in large population cohorts (gnomAD); In silico analysis supports that this missense variant does not alter protein structure/function; Has not been previously published as pathogenic or benign to our knowledge

NM_001114748.2(TMEM240):c.195C>G (p.Asp65Glu)

Gene: TMEM240 (transmembrane protein 240; minus strand). Cytogenetic location: 1p36.33.
Variant type: single nucleotide variant.
Coding change: c.195C>G on transcript NM_001114748.2 (MANE Select); coding-DNA position 195, C replaced by G.
Protein change: p.Asp65Glu; replaces aspartic acid 65 with glutamic acid.
Molecular consequence: missense variant.
Genome position (GRCh38, 1-based): chr1:1,535,767, G>C on the plus strand (C>G on the coding strand, the complement: TMEM240 is on the minus strand). VCF-style: chr1-1535767-G-C. GRCh37 (hg19) VCF-style: chr1-1471147-G-C.
Other names: short protein forms D65E.
Identifiers: ClinVar variation 1804387 (VCV001804387.1), dbSNP rs748477956, ClinGen allele CA337867210.